The following is an entry in ClinVar:

ClinVar aggregate classification (germline): Uncertain significance (1 of 4 stars; one submission).

Allele frequency attached by ClinVar (database versions not stated): gnomAD exomes below 0.00001.
gnomAD v4.1: 2 of 1,613,952 alleles (0.00012%); highest among the groups gnomAD compares: Non-Finnish European, 0.00017%; no homozygotes.

Submission:

GeneDx
Classification: Uncertain significance. Last evaluated: 2022-07-07. Review status: criteria provided, single submitter. Criteria: GeneDx Variant Classification Process June 2021. Collection method: clinical testing. Allele origin: germline. Affected: yes.
Comment: Not observed at significant frequency in large population cohorts (gnomAD); In silico analysis supports that this missense variant has a deleterious effect on protein structure/function; Has not been previously published as pathogenic or benign to our knowledge

NM_001080517.3(SETD5):c.293C>G (p.Ser98Cys)

Gene: SETD5 (SET domain containing 5; plus strand). Cytogenetic location: 3p25.3.
Variant type: single nucleotide variant.
Coding change: c.293C>G on transcript NM_001080517.3 (MANE Select); coding-DNA position 293, C replaced by G.
Protein change: p.Ser98Cys; replaces serine 98 with cysteine.
Molecular consequence: missense variant. On other transcripts: 5 prime UTR variant (2).
Genome position (GRCh38, 1-based): chr3:9,434,449, C>G. VCF-style: chr3-9434449-C-G. GRCh37 (hg19) VCF-style: chr3-9476133-C-G.
Other names: c.-41C>G (NM_001292043.2); c.-82C>G (NM_001349451.2); short protein forms S98C.
Identifiers: ClinVar variation 1810631 (VCV001810631.1), dbSNP rs1393218078, ClinGen allele CA351682975.